The following is an entry in ClinVar:

NM_198334.3(GANAB):c.755del (p.Gly252fs)

Gene: GANAB (glucosidase II alpha subunit; minus strand). Cytogenetic location: 11q12.3.
Variant type: Deletion.
Coding change: c.755del on transcript NM_198334.3 (MANE Select); coding-DNA position 755, one base deleted (G; older notation c.755delG).
Protein change: p.Gly252fs; shifts the reading frame from glycine 252.
Molecular consequence: frameshift variant.
Genome position (GRCh38, 1-based): chr11:62,633,065, C deleted on the plus strand (G on the coding strand, the reverse complement: GANAB is on the minus strand); the first of 2 consecutive C bases (chr11:62,633,065-62,633,066); deleting either gives the same sequence. VCF-style (leftmost placement, unchanged base first): chr11-62633064-GC-G. GRCh37 (hg19) VCF-style: chr11-62400536-GC-G.
Other names: c.479del, p.Gly160fs (NM_001278192.2); c.413del, p.Gly138fs (NM_001278193.2); c.464del, p.Gly155fs (NM_001278194.2, NM_001329222.2, NM_001329223.2); c.32del, p.Gly11fs (NM_001329224.2, NM_001329225.2); c.821del, p.Gly274fs (NM_198335.4); short protein forms G252fs, G155fs, G138fs, G274fs, G11fs, G160fs.
Identifiers: ClinVar variation 2783444 (VCV002783444.3), dbSNP rs2496357868, ClinGen allele CA2613974565.

ClinVar aggregate classification (germline): Pathogenic (1 of 4 stars; one submission).

Submission:

Labcorp Genetics (formerly Invitae), Labcorp
Classification: Pathogenic. Last evaluated: 2023-08-30. Review status: criteria provided, single submitter. Criteria: Invitae Variant Classification Sherloc (09022015). Collection method: clinical testing. Allele origin: germline.
Comment: This sequence change creates a premature translational stop signal (p.Gly274Alafs*15) in the GANAB gene. It is expected to result in an absent or disrupted protein product. Loss-of-function variants in GANAB are known to be pathogenic (PMID: 27259053). This variant is not present in population databases (gnomAD no frequency). This variant has not been reported in the literature in individuals affected with GANAB-related conditions. For these reasons, this variant has been classified as Pathogenic.

Literature cited by the submitters: PubMed 27259053.